The following is an entry in ClinVar:

NM_002381.5(MATN3):c.323G>A (p.Arg108Gln)

Gene: MATN3 (matrilin 3; minus strand). Cytogenetic location: 2p24.1.
Variant type: single nucleotide variant.
Coding change: c.323G>A on transcript NM_002381.5 (MANE Select); coding-DNA position 323, G replaced by A.
Protein change: p.Arg108Gln; replaces arginine 108 with glutamine.
Molecular consequence: missense variant.
Genome position (GRCh38, 1-based): chr2:20,006,211, C>T on the plus strand (G>A on the coding strand, the complement: MATN3 is on the minus strand). VCF-style: chr2-20006211-C-T. GRCh37 (hg19) VCF-style: chr2-20205972-C-T.
Other names: c.323G>A (NM_002381.4); short protein forms R108Q.
Identifiers: ClinVar variation 4706487 (VCV004706487.2).

ClinVar aggregate classification (germline): Conflicting classifications of pathogenicity. Review status: criteria provided, conflicting classifications (1 of 4 stars). 2 submissions from 2 submitters: Uncertain significance (1); Likely benign (1). Last evaluated 2026-02-18.

Conditions:
Inborn genetic diseases. Identifiers: MedGen C0950123, MeSH D030342.

gnomAD v4.1: 40 of 1,613,296 alleles (0.0025%); highest among the groups gnomAD compares: Middle Eastern, 0.016%; no homozygotes.

Submissions (2):

Ambry Genetics
Classification: Likely benign for Inborn genetic diseases. Last evaluated: 2026-02-18. Review status: criteria provided, single submitter. Criteria: Ambry Variant Classification Scheme 2023. Collection method: clinical testing. Allele origin: germline.

Labcorp Genetics (formerly Invitae), Labcorp
Classification: Uncertain significance. Last evaluated: 2025-12-29. Review status: criteria provided, single submitter. Criteria: Invitae Variant Classification Sherloc (09022015). Collection method: clinical testing. Allele origin: germline.
Comment: This sequence change replaces arginine, which is basic and polar, with glutamine, which is neutral and polar, at codon 108 of the MATN3 protein (p.Arg108Gln). This variant is present in population databases (rs761923957, gnomAD 0.006%). This variant has not been reported in the literature in individuals affected with MATN3-related conditions. Invitae Evidence Modeling of protein sequence and biophysical properties (such as structural, functional, and spatial information, amino acid conservation, physicochemical variation, residue mobility, and thermodynamic stability) indicates that this missense variant is not expected to disrupt MATN3 protein function with a negative predictive value of 80%. Algorithms developed to predict the effect of sequence changes on RNA splicing suggest that this variant may create or strengthen a splice site. In summary, the available evidence is currently insufficient to determine the role of this variant in disease. Therefore, it has been classified as a Variant of Uncertain Significance.